The following is an entry in ClinVar:

NM_001386140.1(MTTP):c.796A>T (p.Arg266Ter)

Gene: MTTP (microsomal triglyceride transfer protein; plus strand). Cytogenetic location: 4q23.
Variant type: single nucleotide variant.
Coding change: c.796A>T on transcript NM_001386140.1 (MANE Select); coding-DNA position 796, A replaced by T.
Protein change: p.Arg266Ter; replaces arginine 266 with a stop codon.
Molecular consequence: nonsense.
Genome position (GRCh38, 1-based): chr4:99,594,770, A>T. VCF-style: chr4-99594770-A-T. GRCh37 (hg19) VCF-style: chr4-100515927-A-T.
Other names: c.796A>T, p.Arg266Ter (NM_000253.4); c.547A>T, p.Arg183Ter (NM_001300785.2); short protein forms R183*, R266*.
Identifiers: ClinVar variation 5015400 (VCV005015400.1).

ClinVar aggregate classification (germline): Pathogenic (1 of 4 stars; one submission).

Conditions:
Abetalipoproteinaemia (ABL). Also called: MTP DEFICIENCY; Abetalipoproteinemia; Abetalipoproteinemia neuropathy; Apolipoprotein B deficiency; Congenital betalipoprotein deficiency syndrome. Identifiers: Orphanet 14, MedGen C0000744, MONDO:0008692, OMIM 200100, HP:0008181.

Submission:

Myriad Genetics, Inc.
Classification: Pathogenic for Abetalipoproteinaemia. Last evaluated: 2026-01-07. Review status: criteria provided, single submitter. Criteria: Myriad Autosomal Dominant, Autosomal Recessive and X-Linked Classification Criteria (2023). Collection method: clinical testing. Allele origin: unknown.
Comment: NM_000253.2(MTTP):c.796A>T(R266*) is expected to be pathogenic in the context of abetalipoproteinemia. This variant is predicted to lead to an abnormal or absent protein product due to the creation of a premature termination codon in MTTP, a gene where loss-of-function variants are known to be pathogenic. Please note: this variant was assessed in the context of healthy population screening.